The following is an entry in ClinVar:

NM_000532.5(PCCB):c.764-2del

Gene: PCCB (propionyl-CoA carboxylase subunit beta; plus strand). Cytogenetic location: 3q22.3.
Variant type: Deletion.
Coding change: c.764-2del on transcript NM_000532.5 (MANE Select); the canonical splice acceptor site of the intron before coding-DNA position 764, one base deleted (A; older notation c.764-2delA).
Molecular consequence: splice acceptor variant.
Genome position (GRCh38, 1-based): chr3:136,297,950, A deleted. VCF-style (leftmost placement, unchanged base first): chr3-136297949-TA-T. GRCh37 (hg19) VCF-style: chr3-136016791-TA-T.
Other names: c.824-2del (NM_001178014.2).
Identifiers: ClinVar variation 203886 (VCV000203886.1), dbSNP rs796052022, ClinGen allele CA312828.
Genomic context (GRCh38, chr3:136,297,949, plus strand): 5'-GAAGCAGCAACTTTGGGCTGGCTGGTACCCTGACTCAATCATATATGCTCCCTGTTCTCT[TA>T]GGTGTGGCCCACAGAGCTTTTGAAAATGATGTTGATGCCTTGTGTAATCTCCGGGATTTC-3'

ClinVar aggregate classification (germline): Pathogenic (1 of 4 stars; one submission).

Allele frequency attached by ClinVar (database versions not stated): gnomAD 0.00001.

Submission:

GeneDx
Classification: Pathogenic. Last evaluated: 2013-11-19. Review status: criteria provided, single submitter. Criteria: GeneDx Variant Classification (06012015). Collection method: clinical testing. Allele origin: germline. Affected: yes.
Comment: The c.764-2 delA splice site mutation in the PCCB gene has been reported previously in association with propionic acidemia (Rodriguez-Pombo et al., 2000). This mutation destroys the canonical splice acceptor site in intron 7, and is expected to cause abnormal gene splicing. The variant is found in PCCB panel(s).